The following is an entry in ClinVar:

ClinVar aggregate classification (germline): Uncertain significance (1 of 4 stars; one submission).

Conditions:
Cardiovascular phenotype. Identifiers: MedGen CN230736.

gnomAD v4.1: 1 of 1,614,066 alleles (0.000062%); highest among the groups gnomAD compares: Non-Finnish European, 0.000085%; no homozygotes.

Submission:

Ambry Genetics
Classification: Uncertain significance for Cardiovascular phenotype. Last evaluated: 2025-06-13. Review status: criteria provided, single submitter. Criteria: Ambry Variant Classification Scheme 2023. Collection method: clinical testing. Allele origin: germline.
Comment: The p.R333G variant (also known as c.997A>G), located in coding exon 6 of the CBL gene, results from an A to G substitution at nucleotide position 997. The arginine at codon 333 is replaced by glycine, an amino acid with dissimilar properties. This amino acid position is conserved. In addition, this alteration is predicted to be deleterious by in silico analysis. Based on the available evidence, the clinical significance of this variant remains unclear.

NM_005188.4(CBL):c.997A>G (p.Arg333Gly)

Gene: CBL (Cbl proto-oncogene; plus strand). Cytogenetic location: 11q23.3.
Variant type: single nucleotide variant.
Coding change: c.997A>G on transcript NM_005188.4 (MANE Select); coding-DNA position 997, A replaced by G.
Protein change: p.Arg333Gly; replaces arginine 333 with glycine.
Molecular consequence: missense variant.
Genome position (GRCh38, 1-based): chr11:119,276,124, A>G. VCF-style: chr11-119276124-A-G. GRCh37 (hg19) VCF-style: chr11-119146834-A-G.
Other names: short protein forms R333G.
Identifiers: ClinVar variation 3996095 (VCV003996095.1).
Genomic context (GRCh38, chr11:119,276,124, plus strand): 5'-AACATTCTCCAGACAATCCCTCACAATAAACCTCTCTTCCAAGCACTGATTGATGGCTTC[A>G]GGGAAGGCTTGTGAGTACCTACTGCATACCATCTGTTAGAGTCTGGGAACTTAGGGGCTG-3'
Protein context (NP_005179.2, residues 323-343): PLFQALIDGF[Arg333Gly]EGFYLFPDGR